The following is an entry in ClinVar:

NM_001079.4(ZAP70):c.1318G>A (p.Glu440Lys)

Gene: ZAP70 (zeta chain of T cell receptor associated protein kinase 70; plus strand). Cytogenetic location: 2q11.2.
Variant type: single nucleotide variant.
Coding change: c.1318G>A on transcript NM_001079.4 (MANE Select); coding-DNA position 1318, G replaced by A.
Protein change: p.Glu440Lys; replaces glutamic acid 440 with lysine.
Molecular consequence: missense variant.
Genome position (GRCh38, 1-based): chr2:97,737,501, G>A. VCF-style: chr2-97737501-G-A. GRCh37 (hg19) VCF-style: chr2-98353964-G-A.
Other names: c.1318G>A, p.Glu440Lys (NM_001378594.1); c.397G>A, p.Glu133Lys (NM_207519.2); short protein forms E440K, E133K.
Identifiers: ClinVar variation 1400135 (VCV001400135.3), dbSNP rs201906752, ClinGen allele CA1790442.
Genomic context (GRCh38, chr2:97,737,501, plus strand): 5'-CCCAGCTGACCCCGCCTTCCCCGCCACCCCAGGGAGGAGATCCCTGTGAGCAATGTGGCC[G>A]AGCTGCTGCACCAGGTGTCCATGGGGATGAAGTACCTGGAGGAGAAGAACTTTGTGCACC-3'
Protein context (NP_001070.2, residues 430-450): REEIPVSNVA[Glu440Lys]LLHQVSMGMK

ClinVar aggregate classification (germline): Uncertain significance (1 of 4 stars; one submission).

Conditions:
Combined immunodeficiency due to ZAP70 deficiency (IMD48). Also called: Immunodeficiency 48; ZAP70 Deficiency. Identifiers: Orphanet 911, MedGen C2931299, MONDO:0010023, OMIM 269840.

Allele frequency attached by ClinVar (database versions not stated): ESP Exome Variant Server 0.00008; TOPMed below 0.00001; ExAC 0.00002; gnomAD 0.00001; gnomAD exomes 0.00003.
gnomAD v4.1: 24 of 1,613,958 alleles (0.0015%); highest among the groups gnomAD compares: Non-Finnish European, 0.0018%; no homozygotes.

Submission:

Labcorp Genetics (formerly Invitae), Labcorp
Classification: Uncertain significance for Combined immunodeficiency due to ZAP70 deficiency. Last evaluated: 2022-07-23. Review status: criteria provided, single submitter. Criteria: Invitae Variant Classification Sherloc (09022015). Collection method: clinical testing. Allele origin: germline.
Comment: This sequence change replaces glutamic acid, which is acidic and polar, with lysine, which is basic and polar, at codon 440 of the ZAP70 protein (p.Glu440Lys). This variant is present in population databases (rs201906752, gnomAD 0.006%). This variant has not been reported in the literature in individuals affected with ZAP70-related conditions. ClinVar contains an entry for this variant (Variation ID: 1400135). Algorithms developed to predict the effect of missense changes on protein structure and function are either unavailable or do not agree on the potential impact of this missense change (SIFT: "Not Available"; PolyPhen-2: "Possibly Damaging"; Align-GVGD: "Not Available"). In summary, the available evidence is currently insufficient to determine the role of this variant in disease. Therefore, it has been classified as a Variant of Uncertain Significance.